The following is an entry in ClinVar:

NM_002841.4(PTPRG):c.1176C>T (p.Asp392=)

Gene: PTPRG (protein tyrosine phosphatase receptor type G; plus strand). Cytogenetic location: 3p14.2.
Variant type: single nucleotide variant.
Coding change: c.1176C>T on transcript NM_002841.4 (MANE Select); coding-DNA position 1176, C replaced by T.
Protein change: p.Asp392=; no amino-acid change (aspartic acid 392 retained).
Molecular consequence: synonymous variant.
Genome position (GRCh38, 1-based): chr3:62,191,611, C>T. VCF-style: chr3-62191611-C-T. GRCh37 (hg19) VCF-style: chr3-62177285-C-T.
Other names: c.1176C>T, p.Asp392= (NM_001375471.1).
Identifiers: ClinVar variation 2653923 (VCV002653923.24), dbSNP rs113199298, ClinGen allele CA2474626.

ClinVar aggregate classification (germline): Likely benign (1 of 4 stars; one submission).

Allele frequency attached by ClinVar (database versions not stated): 1000 Genomes Project 0.00020; ESP Exome Variant Server 0.00023; 1000 Genomes Project 30x 0.00031.
gnomAD v4.1: 653 of 1,614,108 alleles (0.04%); highest among the groups gnomAD compares: Admixed American, 0.092%; 2 homozygotes.

Submission:

CeGaT Center for Human Genetics Tuebingen
Classification: Likely benign. Last evaluated: 2023-03-01. Review status: criteria provided, single submitter. Criteria: CeGaT Center For Human Genetics Tuebingen Variant Classification Criteria Version 2. Collection method: clinical testing. Allele origin: germline. Affected: yes. Observed: 1 variant allele.
Comment: PTPRG: BP4, BP7